The following is an entry in ClinVar:

NM_014704.4(CEP104):c.1583G>C (p.Arg528Thr)

Gene: CEP104 (centrosomal protein 104; minus strand). Cytogenetic location: 1p36.32.
Variant type: single nucleotide variant.
Coding change: c.1583G>C on transcript NM_014704.4 (MANE Select); coding-DNA position 1583, G replaced by C.
Protein change: p.Arg528Thr; replaces arginine 528 with threonine.
Molecular consequence: missense variant.
Genome position (GRCh38, 1-based): chr1:3,833,938, C>G on the plus strand (G>C on the coding strand, the complement: CEP104 is on the minus strand). VCF-style: chr1-3833938-C-G. GRCh37 (hg19) VCF-style: chr1-3750502-C-G.
Other names: short protein forms R528T.
Identifiers: ClinVar variation 1419152 (VCV001419152.6), dbSNP rs753327824, ClinGen allele CA551569.

ClinVar aggregate classification (germline): Conflicting classifications of pathogenicity. Review status: criteria provided, conflicting classifications (1 of 4 stars). 2 submissions from 2 submitters: Uncertain significance (1); Benign (1). Last evaluated 2024-01-22.

Conditions:
Joubert syndrome 25 (JBTS25). Identifiers: Orphanet 475, MedGen C4084842, MONDO:0014770, OMIM 616781.

Allele frequency attached by ClinVar (database versions not stated): gnomAD 0.00005 and 0.00006; TOPMed 0.00012; gnomAD exomes 0.00014 and 0.00034; ExAC 0.00049.
gnomAD v4.1: 96 of 1,614,010 alleles (0.0059%); highest among the groups gnomAD compares: Admixed American, 0.15%; no homozygotes.

Submissions (2):

Labcorp Genetics (formerly Invitae), Labcorp
Classification: Uncertain significance for Joubert syndrome 25. Last evaluated: 2024-01-22. Review status: criteria provided, single submitter. Criteria: Invitae Variant Classification Sherloc (09022015). Collection method: clinical testing. Allele origin: germline.
Comment: This sequence change replaces arginine, which is basic and polar, with threonine, which is neutral and polar, at codon 528 of the CEP104 protein (p.Arg528Thr). This variant is present in population databases (rs753327824, gnomAD 0.2%). This variant has not been reported in the literature in individuals affected with CEP104-related conditions. ClinVar contains an entry for this variant (Variation ID: 1419152). An algorithm developed to predict the effect of missense changes on protein structure and function (PolyPhen-2) suggests that this variant¬†is likely to be tolerated. In summary, the available evidence is currently insufficient to determine the role of this variant in disease. Therefore, it has been classified as a Variant of Uncertain Significance.

Blueprint Genetics
Classification: Benign. Last evaluated: 2022-04-20. Review status: criteria provided, single submitter. Criteria: ACMG Guidelines, 2015. Collection method: clinical testing. Allele origin: germline.